The following is an entry in ClinVar:

NM_032193.4(RNASEH2C):c.259G>A (p.Glu87Lys)

Gene: RNASEH2C (ribonuclease H2 subunit C; minus strand). Cytogenetic location: 11q13.1.
Variant type: single nucleotide variant.
Coding change: c.259G>A on transcript NM_032193.4 (MANE Select); coding-DNA position 259, G replaced by A.
Protein change: p.Glu87Lys; replaces glutamic acid 87 with lysine.
Molecular consequence: missense variant.
Genome position (GRCh38, 1-based): chr11:65,720,331, C>T on the plus strand (G>A on the coding strand, the complement: RNASEH2C is on the minus strand). VCF-style: chr11-65720331-C-T. GRCh37 (hg19) VCF-style: chr11-65487802-C-T.
Other names: short protein forms E87K.
Identifiers: ClinVar variation 1715323 (VCV001715323.6), dbSNP rs771525032, ClinGen allele CA6107756.
Genomic context (GRCh38, chr11:65,720,331, plus strand): 5'-GGTCGTCAGTCCCGGAATCCCGCAAGGGGTCTGGCTTCCCCATCGACACCTTCTTCTCTT[C>T]TGTCACCATCACGTATCCCACGAGGCCAGGCGGCACCGCCACCTCCTCTCCCCGTAGACA-3'
Protein context (NP_115569.2, residues 77-97): PGLVGYVMVT[Glu87Lys]EKKVSMGKPD

ClinVar aggregate classification (germline): Uncertain significance. Review status: criteria provided, multiple submitters, no conflicts (2 of 4 stars). 2 submissions from 2 submitters: Uncertain significance (2). Last evaluated 2025-06-16.

Conditions:
Aicardi-Goutieres syndrome 3. Identifiers: Orphanet 51, MedGen C1835916, MONDO:0012471, OMIM 610329.

Allele frequency attached by ClinVar (database versions not stated): ExAC 0.00002; gnomAD exomes 0.00001.

Submissions (2):

Labcorp Genetics (formerly Invitae), Labcorp
Classification: Uncertain significance for Aicardi-Goutieres syndrome 3. Last evaluated: 2025-06-16. Review status: criteria provided, single submitter. Criteria: Invitae Variant Classification Sherloc (09022015). Collection method: clinical testing. Allele origin: germline.
Comment: This sequence change replaces glutamic acid, which is acidic and polar, with lysine, which is basic and polar, at codon 87 of the RNASEH2C protein (p.Glu87Lys). This variant is present in population databases (rs771525032, gnomAD 0.006%). This variant has not been reported in the literature in individuals affected with RNASEH2C-related conditions. ClinVar contains an entry for this variant (Variation ID: 1715323). An algorithm developed to predict the effect of missense changes on protein structure and function (PolyPhen-2) suggests that this variant is likely to be disruptive. In summary, the available evidence is currently insufficient to determine the role of this variant in disease. Therefore, it has been classified as a Variant of Uncertain Significance.

Revvity Omics, Revvity
Classification: Uncertain significance for Aicardi-Goutieres syndrome 3. Last evaluated: 2022-04-02. Review status: criteria provided, single submitter. Criteria: ACMG Guidelines, 2015. Collection method: clinical testing. Allele origin: germline.